The following is an entry in ClinVar:

NM_000334.4(SCN4A):c.5036T>C (p.Ile1679Thr)

Genes: GH-LCR (growth hormone locus control region; plus strand), SCN4A (sodium voltage-gated channel alpha subunit 4; minus strand). Cytogenetic location: 17q23.3.
Variant type: single nucleotide variant.
Coding change: c.5036T>C on transcript NM_000334.4 (MANE Select); coding-DNA position 5036, T replaced by C.
Protein change: p.Ile1679Thr; replaces isoleucine 1679 with threonine.
Molecular consequence: missense variant.
Genome position (GRCh38, 1-based): chr17:63,941,246, A>G on the plus strand (T>C on the coding strand, the complement: SCN4A is on the minus strand). VCF-style: chr17-63941246-A-G. GRCh37 (hg19) VCF-style: chr17-62018606-A-G.
Other names: short protein forms I1679T.
Identifiers: ClinVar variation 1443440 (VCV001443440.7), dbSNP rs2144773647, ClinGen allele CA400614290.

ClinVar aggregate classification (germline): Uncertain significance. Review status: criteria provided, multiple submitters, no conflicts (2 of 4 stars). 2 submissions from 2 submitters: Uncertain significance (2). Last evaluated 2026-08-06.

Conditions:
Potassium-aggravated myotonia. Also called: MYOTONIA CONGENITA, ACETAZOLAMIDE-RESPONSIVE; MYOTONIA CONGENITA, ATYPICAL; SODIUM CHANNEL MUSCLE DISEASE; Myotonia congenita, atypical, acetazolamide-responsive. Identifiers: Orphanet 612, Orphanet 99734, Orphanet 99735, Orphanet 99736, MedGen C2931826, MONDO:0018959, OMIM 608390.
Hyperkalemic periodic paralysis. Also called: Familial hyperkalemic periodic paralysis; Gamstorp disease. Identifiers: Orphanet 682, MedGen C0238357, MONDO:0008224, OMIM 170500, HP:0007215.

Allele frequency attached by ClinVar (database versions not stated): gnomAD exomes below 0.00001.
gnomAD v4.1: 1 of 1,613,702 alleles (0.000062%); highest among the groups gnomAD compares: Non-Finnish European, 0.000085%; no homozygotes.

Submissions (2):

OLLIN Analises Genomicas, OLLIN
Classification: Uncertain significance for Potassium-aggravated myotonia. Last evaluated: 2026-08-06. Review status: criteria provided, single submitter. Criteria: ACMG Guidelines 2015 PMID 25741868. Collection method: clinical testing. Allele origin: germline. Inheritance: Autosomal recessive inheritance.
Comment: This missense variant, located in exon 24 (of 24), has been reported in ClinVar (accession VCV001443440.6) and in gnomAD with an allele frequency of 0.000062%. However, to our knowledge, it has not been reported in the scientific literature. In silico analysis predicts that this variant has a deleterious effect. According to the currently available evidence, this variant has been classified as uncertain significance (PM2_P, PP3_M).

Labcorp Genetics (formerly Invitae), Labcorp
Classification: Uncertain significance for Hyperkalemic periodic paralysis. Last evaluated: 2022-07-26. Review status: criteria provided, single submitter. Criteria: Invitae Variant Classification Sherloc (09022015). Collection method: clinical testing. Allele origin: germline.
Comment: In summary, the available evidence is currently insufficient to determine the role of this variant in disease. Therefore, it has been classified as a Variant of Uncertain Significance. Algorithms developed to predict the effect of missense changes on protein structure and function (SIFT, PolyPhen-2, Align-GVGD) all suggest that this variant is likely to be disruptive. ClinVar contains an entry for this variant (Variation ID: 1443440). This variant has not been reported in the literature in individuals affected with SCN4A-related conditions. This variant is not present in population databases (gnomAD no frequency). This sequence change replaces isoleucine, which is neutral and non-polar, with threonine, which is neutral and polar, at codon 1679 of the SCN4A protein (p.Ile1679Thr).